The following is an entry in ClinVar:

NM_139027.6(ADAMTS13):c.3150G>A (p.Val1050=)

Gene: ADAMTS13 (ADAM metallopeptidase with thrombospondin type 1 motif 13; plus strand). Cytogenetic location: 9q34.2.
Variant type: single nucleotide variant.
Coding change: c.3150G>A on transcript NM_139027.6 (MANE Select); coding-DNA position 3150, G replaced by A.
Protein change: p.Val1050=; no amino-acid change (valine 1050 retained).
Molecular consequence: synonymous variant. On other transcripts: non-coding transcript variant (1).
Genome position (GRCh38, 1-based): chr9:133,454,520, G>A. VCF-style: chr9-133454520-G-A. GRCh37 (hg19) VCF-style: chr9-136319642-G-A.
Other names: p.Val1050=; c.3057G>A, p.Val1019= (NM_139026.6); c.3150G>A, p.Val1050= (NM_139025.5).
Identifiers: ClinVar variation 736781 (VCV000736781.13), dbSNP rs36222579, ClinGen allele CA200943146.
Genomic context (GRCh38, chr9:133,454,520, plus strand): 5'-TGGCACTGCTAGACGCTCGGTGGCCTGTGTGCAGCTCGACCAAGGCCAGGACGTGGAGGT[G>A]GACGAGGCGGCCTGTGCGGCGCTGGTGCGGCCCGAGGCCAGTGTCCCCTGTCTCATTGCC-3'
Protein context (NP_620596.2, residues 1040-1060): VQLDQGQDVE[Val1050=]DEAACAALVR

ClinVar aggregate classification (germline): Benign/Likely benign. Review status: criteria provided, multiple submitters, no conflicts (2 of 4 stars). 5 submissions from 5 submitters: Benign (2); Likely benign (3). Last evaluated 2026-07-01.

Allele frequency attached by ClinVar (database versions not stated): gnomAD exomes 0.00023 and 0.00060; ExAC 0.00091; gnomAD 0.00240 and 0.00262; TOPMed 0.00267; ESP Exome Variant Server 0.00338; 1000 Genomes Project 0.00359; 1000 Genomes Project 30x 0.00390.
gnomAD v4.1: 712 of 1,611,452 alleles (0.044%); highest among the groups gnomAD compares: African/African-American, 0.83%; 6 homozygotes.

Submissions (5):

CeGaT Center for Human Genetics Tuebingen
Classification: Likely benign. Last evaluated: 2026-07-01. Review status: criteria provided, single submitter. Criteria: CeGaT Center For Human Genetics Tuebingen Variant Classification Criteria Version 2. Collection method: clinical testing. Allele origin: germline. Affected: yes. Observed: 1 variant allele.
Comment: ADAMTS13: BP4, BS2

Labcorp Genetics (formerly Invitae), Labcorp
Classification: Benign. Last evaluated: 2026-01-06. Review status: criteria provided, single submitter. Criteria: Invitae Variant Classification Sherloc (09022015). Collection method: clinical testing. Allele origin: germline.

Mayo Clinic Laboratories, Mayo Clinic
Classification: Likely benign. Last evaluated: 2025-05-31. Review status: criteria provided, single submitter. Criteria: ACMG Guidelines, 2015. Collection method: clinical testing. Allele origin: germline. Observed: 15 variant alleles.
Comment: BS1, BP4, BP7

Blueprint Genetics
Classification: Likely benign. Last evaluated: 2024-10-24. Review status: criteria provided, single submitter. Criteria: ACMG Guidelines, 2015. Collection method: clinical testing. Allele origin: germline.

Breakthrough Genomics
Classification: Benign. Review status: criteria provided, single submitter. Criteria: ACMG Guidelines, 2015. Collection method: not provided. Allele origin: germline. Inheritance: Autosomal recessive inheritance. Affected: yes.

Literature cited by the submitters: PubMed 21843064 (cited by Mayo Clinic Laboratories, Mayo Clinic); PubMed 35667091 (cited by Mayo Clinic Laboratories, Mayo Clinic).